The following is an entry in ClinVar:

ClinVar aggregate classification (germline): Pathogenic (1 of 4 stars; one submission).

Submission:

GeneDx
Classification: Pathogenic. Last evaluated: 2018-05-10. Review status: criteria provided, single submitter. Criteria: GeneDx Variant Classification (06012015). Collection method: clinical testing. Allele origin: germline. Affected: yes.
Comment: Although the c.2792delC pathogenic variant in the KCNH2 gene has not been reported to our knowledge, this variant causes a shift in reading frame starting at codon proline 931, changing it to an arginine, and creating a premature stop codon at position 43 of the new reading frame, denoted p.Pro931ArgfsX43. This pathogenic variant is expected to result in either an abnormal, truncated protein product or loss of protein from this allele through nonsense-mediated mRNA decay. Many other frameshift variants in the KCNH2 gene have been reported in Human Gene Mutation Database in association with LQTS (Stenson et al., 2014), indicating that loss of function is a mechanism of disease for this gene. This variant is also not observed in large population cohorts; however, limited data are available (Lek et al., 2016; 1000 Genomes Consortium et al., 2015; Exome Variant Server). In summary, c.2792delC in the KCNH2 gene is interpreted as a pathogenic variant.

NM_000238.4(KCNH2):c.2792del (p.Pro931fs)

Gene: KCNH2 (potassium voltage-gated channel subfamily H member 2; minus strand). Cytogenetic location: 7q36.1.
Variant type: Deletion.
Coding change: c.2792del on transcript NM_000238.4 (MANE Select); coding-DNA position 2792, one base deleted (C; older notation c.2792delC).
Protein change: p.Pro931fs; shifts the reading frame from proline 931.
Molecular consequence: frameshift variant.
Genome position (GRCh38, 1-based): chr7:150,947,779, G deleted on the plus strand (C on the coding strand, the reverse complement: KCNH2 is on the minus strand); the first of 3 consecutive G bases (chr7:150,947,779-150,947,781); deleting any one gives the same sequence. VCF-style (leftmost placement, unchanged base first): chr7-150947778-CG-C. GRCh37 (hg19) VCF-style: chr7-150644866-CG-C.
Other names: c.2504del, p.Pro835fs (NM_001406753.1); c.1772del, p.Pro591fs (NM_172057.3); short protein forms P591fs, P931fs, P835fs.
Identifiers: ClinVar variation 200682 (VCV000200682.4), dbSNP rs794728460, ClinGen allele CA007455.